The following is an entry in ClinVar:

ClinVar aggregate classification (germline): Pathogenic (1 of 4 stars; one submission).

Conditions:
Multiple endocrine neoplasia, type 1 (MEN1). Also called: MEN I; WERMER SYNDROME; Endocrine adenomatosis multiple; MEN 1; MEA I. Identifiers: Orphanet 652, MedGen C0025267, MeSH D018761, MONDO:0007540, OMIM 131100.

Submission:

Labcorp Genetics (formerly Invitae), Labcorp
Classification: Pathogenic for Multiple endocrine neoplasia, type 1. Last evaluated: 2026-01-06. Review status: criteria provided, single submitter. Criteria: Invitae Variant Classification Sherloc (09022015). Collection method: clinical testing. Allele origin: germline.
Comment: This sequence change creates a premature translational stop signal (p.Phe47Tyrfs*70) in the MEN1 gene. It is expected to result in an absent or disrupted protein product. Loss-of-function variants in MEN1 are known to be pathogenic (PMID: 12112656, 17853334). This variant is not present in population databases (gnomAD no frequency). This variant has not been reported in the literature in individuals affected with MEN1-related conditions. ClinVar contains an entry for this variant (Variation ID: 3661186). For these reasons, this variant has been classified as Pathogenic.

Literature cited by the submitters: PubMed 12112656; PubMed 17853334.

NM_001370259.2(MEN1):c.139_140insA (p.Phe47fs)

Gene: MEN1 (menin 1; minus strand). Cytogenetic location: 11q13.1.
Variant type: Insertion.
Coding change: c.139_140insA on transcript NM_001370259.2 (MANE Select); coding-DNA positions 139 to 140, A inserted.
Protein change: p.Phe47fs; shifts the reading frame from phenylalanine 47.
Molecular consequence: frameshift variant. On other transcripts: non-coding transcript variant (4).
Genome position: GRCh38 VCF-style: chr11-64809970-A-AT. GRCh37 (hg19) VCF-style: chr11-64577442-A-AT.
Other names: c.139_140insA, p.Phe47fs (NM_000244.4, NM_001370251.2, NM_001370260.2 and 20 more transcripts); short protein forms F47fs.
Identifiers: ClinVar variation 3661186 (VCV003661186.2).